The following is an entry in ClinVar:

NM_001042492.3(NF1):c.2991-1G>A

Gene: NF1 (neurofibromin 1; plus strand). Cytogenetic location: 17q11.2.
Variant type: single nucleotide variant.
Coding change: c.2991-1G>A on transcript NM_001042492.3 (MANE Select); the canonical splice acceptor site of the intron before coding-DNA position 2991, G replaced by A.
Molecular consequence: splice acceptor variant.
Genome position (GRCh38, 1-based): chr17:31,230,259, G>A. VCF-style: chr17-31230259-G-A. GRCh37 (hg19) VCF-style: chr17-29557277-G-A.
Other names: c.2991-1G>A (NM_000267.4).
Identifiers: ClinVar variation 404458 (VCV000404458.62), dbSNP rs1060500273, ClinGen allele CA16615188.

ClinVar aggregate classification (germline): Pathogenic/Likely pathogenic. Review status: criteria provided, multiple submitters, no conflicts (2 of 4 stars). 10 submissions from 10 submitters: Pathogenic (9); Likely pathogenic (1). Last evaluated 2026-10-06.

Conditions:
Hereditary cancer-predisposing syndrome. Also called: Tumor predisposition; Neoplastic Syndromes, Hereditary; Hereditary Cancer Syndrome; Hereditary neoplastic syndrome. Identifiers: Orphanet 140162, MedGen C0027672, MeSH D009386, MONDO:0015356.
Cardiovascular phenotype. Identifiers: MedGen CN230736.
Juvenile myelomonocytic leukemia (JMML). Also called: LEUKEMIA, JUVENILE MYELOMONOCYTIC, SOMATIC. Identifiers: Orphanet 86834, MedGen C0349639, MONDO:0011908, OMIM 607785, HP:0012209.
Neurofibromatosis, type 1 (NF1). Also called: NEUROFIBROMATOSIS, TYPE I, SOMATIC; Neurofibromatosis, type I; VON RECKLINGHAUSEN DISEASE; Peripheral type neurofibromatosis. Identifiers: Orphanet 636, MedGen C0027831, MONDO:0018975, OMIM 162200. Disease mechanism: loss of function.

Submissions (10):

NHS Central & South Genomic Laboratory Hub
Classification: Pathogenic for Neurofibromatosis type 1. Last evaluated: 2026-10-06. Review status: criteria provided, single submitter. Criteria: ACMG Guidelines, 2015. Collection method: clinical testing. Allele origin: germline. Affected: yes.

Labcorp Genetics (formerly Invitae), Labcorp
Classification: Pathogenic for Neurofibromatosis, type 1. Last evaluated: 2025-11-10. Review status: criteria provided, single submitter. Criteria: Invitae Variant Classification Sherloc (09022015). Collection method: clinical testing. Allele origin: germline.
Comment: This sequence change affects an acceptor splice site in intron 22 of the NF1 gene. RNA analysis indicates that disruption of this splice site induces altered splicing and likely results in a shortened protein product. This variant is not present in population databases (gnomAD no frequency). Disruption of this splice site has been observed in individuals with neurofibromatosis type 1 (NF1) and/or neurofibromatosis-Noonan syndrome (PMID: 8829638, 10712197, 24357598). Invitae Evidence Modeling of clinical and family history, age, sex, and reported ancestry of multiple individuals with this NF1 variant has been performed. This variant is expected to be pathogenic with a positive predictive value of at least 99%. This is a validated machine learning model that incorporates the clinical features of 1,785,918 individuals referred to our laboratory for NF1 testing. ClinVar contains an entry for this variant (Variation ID: 404458). Studies have shown that disruption of this splice site results in skipping of 23, but is expected to preserve the integrity of the reading-frame (PMID: 18546366; internal data). For these reasons, this variant has been classified as Pathogenic.

GeneDx
Classification: Pathogenic. Last evaluated: 2024-08-27. Review status: criteria provided, single submitter. Criteria: GeneDx Variant Classification Process June 2021. Collection method: clinical testing. Allele origin: germline. Affected: yes.
Comment: Canonical splice site variant predicted to result in an in-frame loss of the adjacent exon in a gene for which loss of function is a known mechanism of disease; Not observed at significant frequency in large population cohorts (gnomAD); Deletions involving coding exons of this gene are a known mechanism of disease (HGMD); This variant is associated with the following publications: (PMID: 25525159, 10712197, 24357598, 18546366, 8829638, 23913538, 25486365, 2121369, 34860164, 34944956, 34646065, 37149759)

Quest Diagnostics Nichols Institute San Juan Capistrano
Classification: Likely pathogenic. Last evaluated: 2023-11-17. Review status: criteria provided, single submitter. Criteria: Quest Diagnostics criteria. Collection method: clinical testing. Allele origin: unknown.
Comment: The NF1 c.2991-1G>A variant disrupts a canonical splice-acceptor site and has been shown to cause the in-frame skipping of exon 23 (also known as exon 18) in the NF1 gene (PMID: 8829638 (1996)). Although this affects only a small portion of the NF1 protein, this variant has been reported in multiple individuals and families with neurofibromatosis 1 (NF1) (PMIDs: 34860164 (2021), 34944956 (2021), 24357598 (2014), 18546366 (2008), 10712197 (2000), 8829638 (1996)), and peripheral nerve sheath tumor (PMID: 34646065 (2021)). This variant has not been reported in large, multi-ethnic general populations (Genome Aggregation Database). Based on the available information, this variant is classified as likely pathogenic.

Ambry Genetics
Classification: Pathogenic for Cardiovascular phenotype; Hereditary cancer-predisposing syndrome. Last evaluated: 2022-04-29. Review status: criteria provided, single submitter. Criteria: Ambry Variant Classification Scheme 2023. Collection method: clinical testing. Allele origin: germline.
Comment: The c.2991-1G>A intronic pathogenic mutation results from a G to A substitution one nucleotide upstream from coding exon 23 of the NF1 gene. This alteration has been observed in multiple individuals with a diagnosis or clinical suspicion of neurofibromatosis type 1 and has been reported to cause abnormal splicing (Ekvall S et al. Am J Med Genet A, 2014 Mar;164A:579-87; Fahsold R et al. Am J Hum Genet, 2000 Mar;66:790-818; Perrin G et al. Hum Mutat, 1996;7:172-5; Pros E et al. Hum Mutat, 2008 Sep;29:E173-93). This nucleotide position is highly conserved in available vertebrate species. In silico splice site analysis predicts that this alteration will weaken the native splice acceptor site and will result in the creation or strengthening of a novel splice acceptor site. In addition to the clinical data presented in the literature, alterations that disrupt the canonical splice site are expected to cause aberrant splicing, resulting in an abnormal protein or a transcript that is subject to nonsense-mediated mRNA decay. As such, this alteration is classified as a disease-causing mutation.

Genome-Nilou Lab
Classification: Pathogenic for Neurofibromatosis, type 1. Last evaluated: 2022-03-15. Review status: criteria provided, single submitter. Criteria: ACMG Guidelines, 2015. Collection method: clinical testing. Allele origin: germline. Affected: no.

Baylor Genetics
Classification: Pathogenic for Juvenile myelomonocytic leukemia. Last evaluated: 2021-12-06. Review status: criteria provided, single submitter. Criteria: ACMG Guidelines, 2015. Collection method: clinical testing. Allele origin: unknown.

ARUP Laboratories, Molecular Genetics and Genomics, ARUP Laboratories
Classification: Pathogenic. Last evaluated: 2020-08-19. Review status: criteria provided, single submitter. Criteria: ARUP Molecular Germline Variant Investigation Process. Collection method: clinical testing. Allele origin: germline.
Comment: The NF1 c.2991-1G>A variant has been described in individuals affected with neurofibromatosis type 1 (NF1; Fahsold 2000, Perrin 1996). It is reported as pathogenic in ClinVar (Variation ID: 404458) and is absent from general population databases (1000 Genomes Project, Exome Variant Server, and Genome Aggregation Database), indicating it is not a common polymorphism. This variant abolishes the canonical splice acceptor site of intron 22, and experimental data demonstrates that this variant causes skipping of exon 23 in the mRNA transcript (Fahsold 2010, Perrin 1996). Skipping of exon 23 would result in the deletion of 41 amino acid residues, leaving the rest of the protein in-frame. Additionally, other variants at this nucleotide position (c.2991-1G>C, c.2991-1G>T) have been described in individuals with NF1 and are considered pathogenic (Fahsold 2010, Sabbagh 2013). Based on available information, the c.2991-1G>A variant is considered pathogenic. REFERENCES Fahsold R et al. Minor lesion mutational spectrum of the entire NF1 gene does not explain its high mutability but points to a functional domain upstream of the GAP-related domain. Am J Hum Genet. 2000 Mar;66(3):790-818. Perrin G et al. Two novel mutations affecting mRNA splicing of the neurofibromatosis type 1 (NF1) gene. Hum Mutat. 1996;7(2):172-5. Sabbagh A et al. NF1 molecular characterization and neurofibromatosis type I genotype-phenotype correlation: the French experience. Hum Mutat. 2013 Nov;34(11):1510-8.

Athena Diagnostics
Classification: Pathogenic. Last evaluated: 2018-05-09. Review status: criteria provided, single submitter. Criteria: Athena Diagnostics Criteria. Collection method: clinical testing. Allele origin: germline.

Hauer Lab, Department Of Pediatric Oncology, Technical University Munich
Classification: Pathogenic for Hereditary cancer-predisposing syndrome. Review status: criteria provided, single submitter. Criteria: ACMG Guidelines, 2015. Collection method: research. Allele origin: germline. Inheritance: Autosomal dominant inheritance. Affected: yes. Observed: 1 variant allele.
Comment: ACMG/AMP, PVS1, PM2, PP5

Literature cited by the submitters: PubMed 8829638 (cited by Labcorp Genetics (formerly Invitae), Labcorp and Quest Diagnostics Nichols Institute San Juan Capistrano); PubMed 10712197 (cited by Labcorp Genetics (formerly Invitae), Labcorp and Quest Diagnostics Nichols Institute San Juan Capistrano); PubMed 24357598 (cited by 3 submitters); PubMed 18546366 (cited by Labcorp Genetics (formerly Invitae), Labcorp and Quest Diagnostics Nichols Institute San Juan Capistrano); PubMed 34646065 (cited by Quest Diagnostics Nichols Institute San Juan Capistrano); PubMed 34860164 (cited by Quest Diagnostics Nichols Institute San Juan Capistrano); PubMed 34944956 (cited by Quest Diagnostics Nichols Institute San Juan Capistrano); PubMed 37149759 (cited by Hauer Lab, Department Of Pediatric Oncology, Technical University Munich).